The following is an entry in ClinVar:

NM_004369.4(COL6A3):c.6581C>A (p.Thr2194Asn)

Gene: COL6A3 (collagen type VI alpha 3 chain; minus strand). Cytogenetic location: 2q37.3.
Variant type: single nucleotide variant.
Coding change: c.6581C>A on transcript NM_004369.4 (MANE Select); coding-DNA position 6581, C replaced by A.
Protein change: p.Thr2194Asn; replaces threonine 2194 with asparagine.
Molecular consequence: missense variant.
Genome position (GRCh38, 1-based): chr2:237,357,348, G>T on the plus strand (C>A on the coding strand, the complement: COL6A3 is on the minus strand). VCF-style: chr2-237357348-G-T. GRCh37 (hg19) VCF-style: chr2-238265991-G-T.
Other names: c.4760C>A, p.Thr1587Asn (NM_057166.5); c.5963C>A, p.Thr1988Asn (NM_057167.4); short protein forms T1587N, T1988N, T2194N.
Identifiers: ClinVar variation 2498865 (VCV002498865.25), dbSNP rs2469852567, ClinGen allele CA351214147.

ClinVar aggregate classification (germline): Uncertain significance (1 of 4 stars; one submission).

Submission:

CeGaT Center for Human Genetics Tuebingen
Classification: Uncertain significance. Last evaluated: 2023-01-01. Review status: criteria provided, single submitter. Criteria: CeGaT Center For Human Genetics Tuebingen Variant Classification Criteria Version 2. Collection method: clinical testing. Allele origin: germline. Affected: yes. Observed: 1 variant allele.
Comment: COL6A3: PM2